The following is an entry in ClinVar:

ClinVar aggregate classification (germline): Benign. Review status: criteria provided, single submitter (1 of 4 stars). 2 submissions from 2 submitters: Benign (1). 1 of the submissions does not count toward it. Last evaluated 2025-12-15.

Conditions:
Ehlers-Danlos syndrome, classic type, 1 (EDSCL1). Also called: EHLERS-DANLOS SYNDROME, GRAVIS TYPE; EHLERS-DANLOS SYNDROME, SEVERE CLASSIC TYPE; EDS I; Ehlers-Danlos Syndrome, Classic Type, COL5A1-Related; Ehlers-Danlos syndrome, type 1. Identifiers: MedGen C0268335, MONDO:0019567, OMIM 130000.

Allele frequency attached by ClinVar (database versions not stated): gnomAD exomes below 0.00001; gnomAD 0.00001; TOPMed 0.00001.
gnomAD v4.1: 10 of 1,613,346 alleles (0.00062%); highest among the groups gnomAD compares: East Asian, 0.0067%; no homozygotes.

Submissions (2):

Labcorp Genetics (formerly Invitae), Labcorp
Classification: Benign for Ehlers-Danlos syndrome, classic type, 1. Last evaluated: 2025-12-15. Review status: criteria provided, single submitter. Criteria: Invitae Variant Classification Sherloc (09022015). Collection method: clinical testing. Allele origin: germline.

Department of Pathology and Laboratory Medicine, Sinai Health System
Classification: Uncertain significance. Review status: no assertion criteria provided. Collection method: clinical testing. Allele origin: unknown. Affected: yes. Study: The Canadian Open Genetics Repository (COGR). Not counted in ClinVar's aggregate classification.
Comment: The COL5A1 p.Asp798Asn variant was not identified in the literature nor was it identified in ClinVar. The variant was identified in dbSNP (ID: rs979271877) and in control databases in 1 of 251192 chromosomes at a frequency of 0.000003981 (Genome Aggregation Database March 6, 2019, v2.1.1). The variant was observed in the East Asian population in 1 of 18392 chromosomes (freq: 0.000054), but was not observed in the African, Latino, Ashkenazi Jewish, European (Finnish), European (non-Finnish), Other, or South Asian populations. The p.Asp798 residue is conserved across mammals and other organisms, and four out of five computational analyses (PolyPhen-2, SIFT, AlignGVGD, BLOSUM, MutationTaster) suggest that the variant may impact the protein; however, this information is not predictive enough to assume pathogenicity. The variant occurs outside of the splicing consensus sequence and in silico or computational prediction software programs (SpliceSiteFinder, MaxEntScan, NNSPLICE, GeneSplicer) do not predict a difference in splicing. In summary, based on the above information the clinical significance of this variant cannot be determined with certainty at this time. This variant is classified as a variant of uncertain significance.

NM_000093.5(COL5A1):c.2392G>A (p.Asp798Asn)

Gene: COL5A1 (collagen type V alpha 1 chain; plus strand). Cytogenetic location: 9q34.3.
Variant type: single nucleotide variant.
Coding change: c.2392G>A on transcript NM_000093.5 (MANE Select); coding-DNA position 2392, G replaced by A.
Protein change: p.Asp798Asn; replaces aspartic acid 798 with asparagine.
Molecular consequence: missense variant.
Genome position (GRCh38, 1-based): chr9:134,780,108, G>A. VCF-style: chr9-134780108-G-A. GRCh37 (hg19) VCF-style: chr9-137671954-G-A.
Other names: c.2392G>A, p.Asp798Asn (NM_001278074.1); short protein forms D798N.
Identifiers: ClinVar variation 1050377 (VCV001050377.2), dbSNP rs979271877, ClinGen allele CA201103407.